The following is an entry in ClinVar:

ClinVar aggregate classification (germline): Pathogenic (1 of 4 stars; one submission).

Submission:

Labcorp Genetics (formerly Invitae), Labcorp
Classification: Pathogenic. Last evaluated: 2022-11-08. Review status: criteria provided, single submitter. Criteria: Invitae Variant Classification Sherloc (09022015). Collection method: clinical testing. Allele origin: germline.
Comment: For these reasons, this variant has been classified as Pathogenic. ClinVar contains an entry for this variant (Variation ID: 1421182). This variant has not been reported in the literature in individuals affected with ALPK3-related conditions. This variant is not present in population databases (gnomAD no frequency). This sequence change creates a premature translational stop signal (p.Glu443Glyfs*3) in the ALPK3 gene. It is expected to result in an absent or disrupted protein product. Loss-of-function variants in ALPK3 are known to be pathogenic (PMID: 21441111, 26846950, 27106955, 34263907).

Literature cited by the submitters: PubMed 21441111; PubMed 26846950; PubMed 27106955; PubMed 34263907.

NM_020778.5(ALPK3):c.721dup (p.Glu241fs)

Gene: ALPK3 (alpha kinase 3; plus strand). Cytogenetic location: 15q25.3.
Variant type: Duplication.
Coding change: c.721dup on transcript NM_020778.5 (MANE Select); coding-DNA position 721, one base duplicated (G; older notation c.721dupG).
Protein change: p.Glu241fs; shifts the reading frame from glutamic acid 241.
Molecular consequence: frameshift variant.
Genome position (GRCh38, 1-based): chr15:84,840,000, G duplicated; the last of 3 consecutive G bases (chr15:84,839,998-84,840,000); duplicating any one gives the same sequence. VCF-style (leftmost placement, unchanged base first): chr15-84839997-A-AG. GRCh37 (hg19) VCF-style: chr15-85383228-A-AG.
Other names: short protein forms E241fs.
Identifiers: ClinVar variation 1421182 (VCV001421182.6), dbSNP rs2141556552, ClinGen allele CA2573151296.
Genomic context (GRCh38, chr15:84,839,997, plus strand): 5'-CGCTTCCAGCGAAAGCGGCGATTGAGCGGGGCTCAAGCGCCGGGCCCCTCGGTCCCTACC[A>AG]GGGAGCCTGAGGGTGGGACCCTGGCGGCTTGGCAGGAGGGAGAGACTGAGACTGCTCAGC-3'